The following is an entry in ClinVar:

ClinVar aggregate classification (germline): Benign. Review status: criteria provided, multiple submitters, no conflicts (2 of 4 stars). 5 submissions from 5 submitters: Benign (4). 1 of the submissions does not count toward it. Last evaluated 2026-02-03.

Conditions:
AHDC1-related disorder. Also called: AHDC1-related condition.
AHDC1-related intellectual disability - obstructive sleep apnea - mild dysmorphism syndrome. Also called: Xia-Gibbs syndrome. Identifiers: Orphanet 412069, MedGen C4014419, MONDO:0014358, OMIM 615829.

Allele frequency attached by ClinVar (database versions not stated): 1000 Genomes Project 30x 0.05481; 1000 Genomes Project 0.05551; gnomAD exomes 0.06890 and 0.07837; ExAC 0.07181; gnomAD 0.07803 and 0.08011; TOPMed 0.07817; ESP Exome Variant Server 0.09065.
gnomAD v4.1: 126,123 of 1,613,040 alleles (7.8%); highest among the groups gnomAD compares: Middle Eastern, 9.9%; 5,335 homozygotes.

Submissions (5):

Labcorp Genetics (formerly Invitae), Labcorp
Classification: Benign. Last evaluated: 2026-02-03. Review status: criteria provided, single submitter. Criteria: Invitae Variant Classification Sherloc (09022015). Collection method: clinical testing. Allele origin: germline.

Genome-Nilou Lab
Classification: Benign for AHDC1-related intellectual disability - obstructive sleep apnea - mild dysmorphism syndrome. Last evaluated: 2021-12-05. Review status: criteria provided, single submitter. Criteria: ACMG Guidelines, 2015. Collection method: clinical testing. Allele origin: germline. Affected: no.

GeneDx
Classification: Benign. Last evaluated: 2018-08-17. Review status: criteria provided, single submitter. Criteria: GeneDx Variant Classification Process June 2021. Collection method: clinical testing. Allele origin: germline. Affected: yes.

Breakthrough Genomics
Classification: Benign. Review status: criteria provided, single submitter. Criteria: ACMG Guidelines, 2015. Collection method: not provided. Allele origin: germline. Inheritance: Autosomal dominant inheritance. Affected: yes.

PreventionGenetics, part of Exact Sciences
Classification: Benign for AHDC1-related condition. Last evaluated: 2019-06-11. Review status: no assertion criteria provided. Collection method: clinical testing. Allele origin: germline. Not counted in ClinVar's aggregate classification.
Comment: This variant is classified as benign based on ACMG/AMP sequence variant interpretation guidelines (Richards et al. 2015 PMID: 25741868, with internal and published modifications).

NM_001371928.1(AHDC1):c.465G>A (p.Pro155=)

Gene: AHDC1 (AT-hook DNA binding motif containing 1; minus strand). Cytogenetic location: 1p36.11.
Variant type: single nucleotide variant.
Coding change: c.465G>A on transcript NM_001371928.1 (MANE Select); coding-DNA position 465, G replaced by A.
Protein change: p.Pro155=; no amino-acid change (proline 155 retained).
Molecular consequence: synonymous variant.
Genome position (GRCh38, 1-based): chr1:27,551,651, C>T on the plus strand (G>A on the coding strand, the complement: AHDC1 is on the minus strand). VCF-style: chr1-27551651-C-T. GRCh37 (hg19) VCF-style: chr1-27878162-C-T.
Other names: c.465G>A, p.Pro155= (NM_001029882.3).
Identifiers: ClinVar variation 1169790 (VCV001169790.16), dbSNP rs112179924, ClinGen allele CA716151.
Genomic context (GRCh38, chr1:27,551,651, plus strand): 5'-GTTGGCCAAACTGGGTGAGGAGAAGAAGCTGTACTGTAGGTCGCCGGGTGGCGGTGCAGG[C>T]GGGCGGCTCAGTCGGAGCCCACCACAGTCCAGGTGTACACCACTGTGCTGCAGGTCCTGG-3'
Protein context (NP_001358857.1, residues 145-165): LDCGGLRLSR[Pro155=]PAPPPGDLQY